The following is an entry in ClinVar:

ClinVar aggregate classification (germline): Uncertain significance (1 of 4 stars; one submission).

Submission:

Labcorp Genetics (formerly Invitae), Labcorp
Classification: Uncertain significance. Last evaluated: 2025-04-17. Review status: criteria provided, single submitter. Criteria: Invitae Variant Classification Sherloc (09022015). Collection method: clinical testing. Allele origin: germline.
Comment: This sequence change replaces glycine, which is neutral and non-polar, with serine, which is neutral and polar, at codon 254 of the FOXC2 protein (p.Gly254Ser). This variant is present in population databases (no rsID available, gnomAD 0.007%). This variant has not been reported in the literature in individuals affected with FOXC2-related conditions. An algorithm developed to predict the effect of missense changes on protein structure and function (PolyPhen-2) suggests that this variant is likely to be tolerated. In summary, the available evidence is currently insufficient to determine the role of this variant in disease. Therefore, it has been classified as a Variant of Uncertain Significance.

NM_005251.3(FOXC2):c.760G>A (p.Gly254Ser)

Gene: FOXC2 (forkhead box C2; plus strand). Cytogenetic location: 16q24.1.
Variant type: single nucleotide variant.
Coding change: c.760G>A on transcript NM_005251.3 (MANE Select); coding-DNA position 760, G replaced by A.
Protein change: p.Gly254Ser; replaces glycine 254 with serine.
Molecular consequence: missense variant.
Genome position (GRCh38, 1-based): chr16:86,568,095, G>A. VCF-style: chr16-86568095-G-A. GRCh37 (hg19) VCF-style: chr16-86601701-G-A.
Other names: short protein forms G254S.
Identifiers: ClinVar variation 4775341 (VCV004775341.1).
Genomic context (GRCh38, chr16:86,568,095, plus strand): 5'-GAGAGCGCGCTGCAGGGCAGCCCGCGCAGCGCGGCCTCCACGCCCGCCGGCTCCCCCGAC[G>A]GCTCGCTGCCGGAGCACCACGCCGCGGCGCCCAACGGGCTGCCTGGCTTCAGCGTGGAGA-3'
Protein context (NP_005242.1, residues 244-264): AASTPAGSPD[Gly254Ser]SLPEHHAAAP